The following is an entry in ClinVar:

ClinVar aggregate classification (germline): Uncertain significance (1 of 4 stars; one submission).

Conditions:
Ehlers-Danlos syndrome, classic type, 1 (EDSCL1). Also called: EDS I; EHLERS-DANLOS SYNDROME, GRAVIS TYPE; EHLERS-DANLOS SYNDROME, SEVERE CLASSIC TYPE; Ehlers-Danlos Syndrome, Classic Type, COL5A1-Related; Ehlers-Danlos syndrome, type 1. Identifiers: MedGen C0268335, MONDO:0019567, OMIM 130000.

Submission:

Labcorp Genetics (formerly Invitae), Labcorp
Classification: Uncertain significance for Ehlers-Danlos syndrome, classic type, 1. Last evaluated: 2018-10-21. Review status: criteria provided, single submitter. Criteria: Invitae Variant Classification Sherloc (09022015). Collection method: clinical testing. Allele origin: germline.
Comment: This variant is not present in population databases (ExAC no frequency). Glycine residues within the Gly-Xaa-Yaa repeats of the triple helix domain are required for the structure and stability of fibrillar collagens (PMID: 7695699, 8218237, 19344236), and missense variants at these glycine residues in COL5A1 are more frequently observed in individuals with disease than in the general population (PMID: 22696272, 23587214). However, the clinical significance of this observation remains uncertain since only a limited number of affected individuals have been described to date. In summary, the available evidence is currently insufficient to determine the role of this variant in disease. Therefore, it has been classified as a Variant of Uncertain Significance. Algorithms developed to predict the effect of missense changes on protein structure and function (SIFT, PolyPhen-2, Align-GVGD) all suggest that this variant is likely to be disruptive, but these predictions have not been confirmed by published functional studies and their clinical significance is uncertain. This variant has not been reported in the literature in individuals with COL5A1-related disease. This sequence change replaces glycine with arginine at codon 1306 of the COL5A1 protein (p.Gly1306Arg). The glycine residue is highly conserved and there is a moderate physicochemical difference between glycine and arginine.

Literature cited by the submitters: PubMed 7695699; PubMed 8218237; PubMed 19344236; PubMed 22696272; PubMed 23587214.

NM_000093.5(COL5A1):c.3916G>A (p.Gly1306Arg)

Gene: COL5A1 (collagen type V alpha 1 chain; plus strand). Cytogenetic location: 9q34.3.
Variant type: single nucleotide variant.
Coding change: c.3916G>A on transcript NM_000093.5 (MANE Select); coding-DNA position 3916, G replaced by A.
Protein change: p.Gly1306Arg; replaces glycine 1306 with arginine.
Molecular consequence: missense variant.
Genome position (GRCh38, 1-based): chr9:134,814,806, G>A. VCF-style: chr9-134814806-G-A. GRCh37 (hg19) VCF-style: chr9-137706652-G-A.
Other names: c.3916G>A, p.Gly1306Arg (NM_001278074.1); short protein forms G1306R.
Identifiers: ClinVar variation 639833 (VCV000639833.10), dbSNP rs1588581652, ClinGen allele CA375455987.
Genomic context (GRCh38, chr9:134,814,806, plus strand): 5'-GGCGGCGACGTGGTTGGCTCTGAGGACTTGACACTGGCCTCTTTCCTCCAGGGACCCAAA[G>A]GAGAAAGGGGAGAGAAGGGCGAGTCAGGCCCTTCAGGTGCTGCCGGACCCCCTGGACCCA-3'
Protein context (NP_000084.3, residues 1296-1316): PGEGGPPGPK[Gly1306Arg]ERGEKGESGP